The following is an entry in ClinVar:

NM_145861.4(EDARADD):c.*1601C>G

Gene: EDARADD (EDAR associated via death domain; plus strand). Cytogenetic location: 1q43.
Variant type: single nucleotide variant.
Coding change: c.*1601C>G on transcript NM_145861.4 (MANE Select); 1601 bases downstream of the stop codon, C replaced by G.
Molecular consequence: 3 prime UTR variant.
Genome position (GRCh38, 1-based): chr1:236,484,250, C>G. VCF-style: chr1-236484250-C-G. GRCh37 (hg19) VCF-style: chr1-236647550-C-G.
Other names: c.*1601C>G (NM_001422628.1, NM_080738.5).
Identifiers: ClinVar variation 296479 (VCV000296479.9), dbSNP rs3916983, ClinGen allele CA10609600.

ClinVar aggregate classification (germline): Benign/Likely benign. Review status: criteria provided, multiple submitters, no conflicts (2 of 4 stars). 3 submissions from 3 submitters: Benign (2); Likely benign (1). Last evaluated 2021-05-11.

Conditions:
Hypohidrotic ectodermal dysplasia (HED). Identifiers: Orphanet 238468, MedGen C5848103, MONDO:0016535, HP:0007607.

Allele frequency attached by ClinVar (database versions not stated): 1000 Genomes Project 0.20327; 1000 Genomes Project 30x 0.20331.
gnomAD v4.1: 242,903 of 962,674 alleles (25%); highest among the groups gnomAD compares: Middle Eastern, 32%; 32,456 homozygotes.

Submissions (3):

GeneDx
Classification: Benign. Last evaluated: 2021-05-11. Review status: criteria provided, single submitter. Criteria: GeneDx Variant Classification Process June 2021. Collection method: clinical testing. Allele origin: germline. Affected: yes.

Illumina Laboratory Services, Illumina
Classification: Benign for Hypohidrotic ectodermal dysplasia. Last evaluated: 2018-01-12. Review status: criteria provided, single submitter. Criteria: ICSL Variant Classification Criteria 13 December 2019. Collection method: clinical testing. Allele origin: germline.
Comment: This variant was observed in the ICSL laboratory as part of a predisposition screen in an ostensibly healthy population. It had not been previously curated by ICSL or reported in the Human Gene Mutation Database (HGMD: prior to June 1st, 2018), and was therefore a candidate for classification through an automated scoring system. Utilizing variant allele frequency, disease prevalence and penetrance estimates, and inheritance mode, an automated score was calculated to assess if this variant is too frequent to cause the disease. Based on the score and internal cut-off values, a variant classified as benign is not then subjected to further curation. The score for this variant resulted in a classification of benign for this disease.

Breakthrough Genomics
Classification: Likely benign. Review status: criteria provided, single submitter. Criteria: ACMG Guidelines, 2015. Collection method: not provided. Allele origin: germline. Inheritance: Autosomal recessive inheritance. Affected: yes.